The following is an entry in ClinVar:

NM_016247.4(IMPG2):c.1064G>C (p.Arg355Thr)

Gene: IMPG2 (interphotoreceptor matrix proteoglycan 2; minus strand). Cytogenetic location: 3q12.3.
Variant type: single nucleotide variant.
Coding change: c.1064G>C on transcript NM_016247.4 (MANE Select); coding-DNA position 1064, G replaced by C.
Protein change: p.Arg355Thr; replaces arginine 355 with threonine.
Molecular consequence: missense variant.
Genome position (GRCh38, 1-based): chr3:101,257,618, C>G on the plus strand (G>C on the coding strand, the complement: IMPG2 is on the minus strand). VCF-style: chr3-101257618-C-G. GRCh37 (hg19) VCF-style: chr3-100976462-C-G.
Other names: c.1064G>C (NM_016247.3); short protein forms R355T.
Identifiers: ClinVar variation 1003391 (VCV001003391.9), dbSNP rs372699731, ClinGen allele CA2519287.

ClinVar aggregate classification (germline): Uncertain significance. Review status: criteria provided, multiple submitters, no conflicts (2 of 4 stars). 3 submissions from 3 submitters: Uncertain significance (3). Last evaluated 2026-01-20.

Conditions:
IMPG2-related disorder. Also called: IMPG2-related condition.

Allele frequency attached by ClinVar (database versions not stated): gnomAD exomes 0.00001 and 0.00002; ExAC 0.00002; gnomAD 0.00002; TOPMed 0.00003; ESP Exome Variant Server 0.00008.
gnomAD v4.1: 24 of 1,613,322 alleles (0.0015%); highest among the groups gnomAD compares: Non-Finnish European, 0.0019%; no homozygotes.

Submissions (3):

PreventionGenetics, part of Exact Sciences
Classification: Uncertain significance for IMPG2-related condition. Last evaluated: 2026-01-20. Review status: criteria provided, single submitter. Criteria: ACMG Guidelines, 2015. Collection method: clinical testing. Allele origin: germline.
Comment: The IMPG2 c.1064G>C variant is predicted to result in the amino acid substitution p.Arg355Thr. To our knowledge, this variant has not been reported in the literature. This variant is present in 0.012% of alleles in individuals of African descent in gnomAD. At this time, the clinical significance of this variant is uncertain due to the absence of conclusive functional and genetic evidence.

Labcorp Genetics (formerly Invitae), Labcorp
Classification: Uncertain significance. Last evaluated: 2025-03-25. Review status: criteria provided, single submitter. Criteria: Invitae Variant Classification Sherloc (09022015). Collection method: clinical testing. Allele origin: germline.
Comment: This sequence change replaces arginine, which is basic and polar, with threonine, which is neutral and polar, at codon 355 of the IMPG2 protein (p.Arg355Thr). This variant is present in population databases (rs372699731, gnomAD 0.01%). This variant has not been reported in the literature in individuals affected with IMPG2-related conditions. ClinVar contains an entry for this variant (Variation ID: 1003391). Invitae Evidence Modeling of protein sequence and biophysical properties (such as structural, functional, and spatial information, amino acid conservation, physicochemical variation, residue mobility, and thermodynamic stability) indicates that this missense variant is expected to disrupt IMPG2 protein function with a positive predictive value of 80%. In summary, the available evidence is currently insufficient to determine the role of this variant in disease. Therefore, it has been classified as a Variant of Uncertain Significance.

Blueprint Genetics
Classification: Uncertain significance. Last evaluated: 2024-08-23. Review status: criteria provided, single submitter. Criteria: ACMG Guidelines, 2015. Collection method: clinical testing. Allele origin: germline.